The following is an entry in ClinVar:

ClinVar aggregate classification (germline): Likely pathogenic. Review status: criteria provided, single submitter (1 of 4 stars). 2 submissions from 2 submitters: Likely pathogenic (1). 1 of the submissions does not count toward it. Last evaluated 2025-04-11.

Conditions:
Spongy degeneration of central nervous system. Also called: Canavan disease; Von Bogaert-Bertrand disease; ACY2 DEFICIENCY; AMINOACYLASE 2 DEFICIENCY; ASP DEFICIENCY; ASPA DEFICIENCY. Identifiers: Orphanet 141, MedGen C0206307, MONDO:0010079, OMIM 271900.

Submissions (2):

Natera, Inc.
Classification: Likely pathogenic for Canavan Disease. Last evaluated: 2025-04-11. Review status: criteria provided, single submitter. Criteria: Natera Variant Classification Schema (03/2026). Collection method: clinical testing. Allele origin: germline.
Comment: The c.796dupG variant in ASPA is a frameshift variant predicted to shift the reading frame beginning at codon 266 and leads to a stop codon 20 codons downstream. This variant is expected to result in nonsense mediated decay, truncation, or a dysfunctional protein product. This variant is rare in the general population with a frequency below the threshold expected for the associated phenotype(s). Given the available evidence, this variant is classified as Likely Pathogenic.

Counsyl
Classification: Likely pathogenic for Spongy degeneration of central nervous system. Last evaluated: 2018-02-22. Review status: no assertion criteria provided. Collection method: clinical testing. Allele origin: unknown. Not counted in ClinVar's aggregate classification.

NM_000049.4(ASPA):c.796dup (p.Asp266fs)

Genes: ASPA (aspartoacylase; plus strand), SPATA22 (spermatogenesis associated 22; minus strand). Cytogenetic location: 17p13.2.
Variant type: Duplication.
Coding change: c.796dup on transcript NM_000049.4 (MANE Select); coding-DNA position 796, one base duplicated (G; older notation c.796dupG).
Protein change: p.Asp266fs; shifts the reading frame from aspartic acid 266.
Molecular consequence: frameshift variant. On other transcripts: intron variant (2).
Genome position (GRCh38, 1-based): chr17:3,498,942, G duplicated. VCF-style (leftmost placement, unchanged base first): chr17-3498941-T-TG. GRCh37 (hg19) VCF-style: chr17-3402235-T-TG.
Other names: c.796dupG (NM_000049.2); c.796dup, p.Asp266fs (NM_001128085.1); c.-74+14470dup (NM_001321336.2, NM_001321337.2); short protein forms D266fs.
Identifiers: ClinVar variation 556864 (VCV000556864.4), dbSNP rs1555541291, ClinGen allele CA658824256.